The following is an entry in ClinVar:

NM_005228.5(EGFR):c.805C>G (p.Leu269Val)

Gene: EGFR (epidermal growth factor receptor; plus strand). Cytogenetic location: 7p11.2.
Variant type: single nucleotide variant.
Coding change: c.805C>G on transcript NM_005228.5 (MANE Select); coding-DNA position 805, C replaced by G.
Protein change: p.Leu269Val; replaces leucine 269 with valine.
Molecular consequence: missense variant. On other transcripts: intron variant (1).
Genome position (GRCh38, 1-based): chr7:55,154,068, C>G. VCF-style: chr7-55154068-C-G. GRCh37 (hg19) VCF-style: chr7-55221761-C-G.
Other names: c.670C>G, p.Leu224Val (NM_001346897.2, NM_001346899.2); c.805C>G, p.Leu269Val (NM_001346898.2, NM_201282.2, NM_201283.2 and 1 more transcripts); c.646C>G, p.Leu216Val (NM_001346900.2); c.89-1762C>G (NM_001346941.2); short protein forms L269V, L216V, L224V.
Identifiers: ClinVar variation 4741134 (VCV004741134.1).

ClinVar aggregate classification (germline): Uncertain significance (1 of 4 stars; one submission).

Conditions:
EGFR-related lung cancer (EGFR). Identifiers: MedGen CN130014.

Submission:

Labcorp Genetics (formerly Invitae), Labcorp
Classification: Uncertain significance for EGFR-related lung cancer. Last evaluated: 2025-02-13. Review status: criteria provided, single submitter. Criteria: Invitae Variant Classification Sherloc (09022015). Collection method: clinical testing. Allele origin: germline.
Comment: This sequence change replaces leucine, which is neutral and non-polar, with valine, which is neutral and non-polar, at codon 269 of the EGFR protein (p.Leu269Val). This variant is not present in population databases (gnomAD no frequency). This variant has not been reported in the literature in individuals affected with EGFR-related conditions. Invitae Evidence Modeling of protein sequence and biophysical properties (such as structural, functional, and spatial information, amino acid conservation, physicochemical variation, residue mobility, and thermodynamic stability) indicates that this missense variant is not expected to disrupt EGFR protein function with a negative predictive value of 80%. In summary, the available evidence is currently insufficient to determine the role of this variant in disease. Therefore, it has been classified as a Variant of Uncertain Significance.